The following is an entry in ClinVar:

NM_020987.5(ANK3):c.6725A>C (p.Glu2242Ala)

Gene: ANK3 (ankyrin 3; minus strand). Cytogenetic location: 10q21.2.
Variant type: single nucleotide variant.
Coding change: c.6725A>C on transcript NM_020987.5 (MANE Select); coding-DNA position 6725, A replaced by C.
Protein change: p.Glu2242Ala; replaces glutamic acid 2242 with alanine.
Molecular consequence: missense variant. On other transcripts: intron variant (4).
Genome position (GRCh38, 1-based): chr10:60,074,156, T>G on the plus strand (A>C on the coding strand, the complement: ANK3 is on the minus strand). VCF-style: chr10-60074156-T-G. GRCh37 (hg19) VCF-style: chr10-61833914-T-G.
Other names: c.4388-6147A>C (NM_001204403.2); c.4409-6147A>C (NM_001204404.2); c.4406-6147A>C (NM_001320874.2); c.1808-6147A>C (NM_001149.4); c.6725A>C (NM_020987.3); short protein forms E2242A.
Identifiers: ClinVar variation 2157131 (VCV002157131.5), dbSNP rs758831313, ClinGen allele CA5511826.

ClinVar aggregate classification (germline): Uncertain significance. Review status: criteria provided, multiple submitters, no conflicts (2 of 4 stars). 2 submissions from 2 submitters: Uncertain significance (2). Last evaluated 2024-01-02.

Conditions:
Inborn genetic diseases. Identifiers: MedGen C0950123, MeSH D030342.

Allele frequency attached by ClinVar (database versions not stated): gnomAD exomes below 0.00001; TOPMed 0.00001; ExAC 0.00001; gnomAD 0.00001.
gnomAD v4.1: 11 of 1,613,818 alleles (0.00068%); highest among the groups gnomAD compares: East Asian, 0.0089%; no homozygotes.

Submissions (2):

Labcorp Genetics (formerly Invitae), Labcorp
Classification: Uncertain significance. Last evaluated: 2024-01-02. Review status: criteria provided, single submitter. Criteria: Invitae Variant Classification Sherloc (09022015). Collection method: clinical testing. Allele origin: germline.
Comment: This sequence change replaces glutamic acid, which is acidic and polar, with alanine, which is neutral and non-polar, at codon 2242 of the ANK3 protein (p.Glu2242Ala). This variant is present in population databases (rs758831313, gnomAD 0.003%). This variant has not been reported in the literature in individuals affected with ANK3-related conditions. ClinVar contains an entry for this variant (Variation ID: 2157131). Advanced modeling of protein sequence and biophysical properties (such as structural, functional, and spatial information, amino acid conservation, physicochemical variation, residue mobility, and thermodynamic stability) performed at Invitae indicates that this missense variant is expected to disrupt ANK3 protein function with a positive predictive value of 80%. In summary, the available evidence is currently insufficient to determine the role of this variant in disease. Therefore, it has been classified as a Variant of Uncertain Significance.

Ambry Genetics
Classification: Uncertain significance for Inborn genetic diseases. Last evaluated: 2023-12-14. Review status: criteria provided, single submitter. Criteria: Ambry Variant Classification Scheme 2023. Collection method: clinical testing. Allele origin: germline.